The following is an entry in ClinVar:

ClinVar aggregate classification (germline): Uncertain significance. Review status: criteria provided, multiple submitters, no conflicts (2 of 4 stars). 3 submissions from 3 submitters: Uncertain significance (3). Last evaluated 2024-08-07.

Conditions:
Intellectual disability, autosomal recessive 53 (NEDHSCA). Also called: GLYCOSYLPHOSPHATIDYLINOSITOL BIOSYNTHESIS DEFECT 13; Mental retardation, autosomal recessive 53; NEURODEVELOPMENTAL DISORDER WITH OR WITHOUT HYPOTONIA, SEIZURES, AND CEREBELLAR ATROPHY. Identifiers: Orphanet 488635, MedGen C4310794, MONDO:0014832, OMIM 616917.

Allele frequency attached by ClinVar (database versions not stated): ExAC 0.00003; gnomAD exomes 0.00004 and 0.00005; TOPMed 0.00004; gnomAD 0.00006; ESP Exome Variant Server 0.00008.

Submissions (3):

Blueprint Genetics
Classification: Uncertain significance. Last evaluated: 2024-08-07. Review status: criteria provided, single submitter. Criteria: ACMG Guidelines, 2015. Collection method: clinical testing. Allele origin: germline.

ARUP Laboratories, Molecular Genetics and Genomics, ARUP Laboratories
Classification: Uncertain significance. Last evaluated: 2024-05-01. Review status: criteria provided, single submitter. Criteria: ARUP Molecular Germline Variant Investigation Process 2024. Collection method: clinical testing. Allele origin: germline.

Labcorp Genetics (formerly Invitae), Labcorp
Classification: Uncertain significance for Intellectual disability, autosomal recessive 53. Last evaluated: 2022-09-27. Review status: criteria provided, single submitter. Criteria: Invitae Variant Classification Sherloc (09022015). Collection method: clinical testing. Allele origin: germline.
Comment: This sequence change replaces serine, which is neutral and polar, with glycine, which is neutral and non-polar, at codon 452 of the PIGG protein (p.Ser452Gly). This variant is present in population databases (rs146520766, gnomAD 0.01%). This variant has not been reported in the literature in individuals affected with PIGG-related conditions. ClinVar contains an entry for this variant (Variation ID: 542888). Advanced modeling of protein sequence and biophysical properties (such as structural, functional, and spatial information, amino acid conservation, physicochemical variation, residue mobility, and thermodynamic stability) performed at Invitae indicates that this missense variant is not expected to disrupt PIGG protein function. In summary, the available evidence is currently insufficient to determine the role of this variant in disease. Therefore, it has been classified as a Variant of Uncertain Significance.

NM_001127178.3(PIGG):c.1354A>G (p.Ser452Gly)

Gene: PIGG (phosphatidylinositol glycan anchor biosynthesis class G (EMM blood group); plus strand). Cytogenetic location: 4p16.3.
Variant type: single nucleotide variant.
Coding change: c.1354A>G on transcript NM_001127178.3 (MANE Select); coding-DNA position 1354, A replaced by G.
Protein change: p.Ser452Gly; replaces serine 452 with glycine.
Molecular consequence: missense variant. On other transcripts: synonymous variant (1), 5 prime UTR variant (2), non-coding transcript variant (10).
Genome position (GRCh38, 1-based): chr4:521,681, A>G. VCF-style: chr4-521681-A-G. GRCh37 (hg19) VCF-style: chr4-515470-A-G.
Other names: c.1087A>G, p.Ser363Gly (NM_001289051.2, NM_001289053.2, NM_001345986.2); c.955A>G, p.Ser319Gly (NM_001289052.2); c.942A>G, p.Ser314= (NM_001289055.2); c.869A>G, p.Gln290Arg (NM_001289057.2); c.1063A>G, p.Ser355Gly (NM_001345987.2); c.325A>G, p.Ser109Gly (NM_001345988.2); c.1354A>G, p.Ser452Gly (NM_001345989.2); c.-180A>G (NM_001345990.2, NM_001345991.2); and 2 more; short protein forms S452G, S109G, S444G, Q290R, S319G, S355G, S86G, S363G.
Identifiers: ClinVar variation 542888 (VCV000542888.6), dbSNP rs146520766, ClinGen allele CA2793294.